The following is an entry in ClinVar:

ClinVar aggregate classification (germline): Uncertain significance. Review status: criteria provided, multiple submitters, no conflicts (2 of 4 stars). 3 submissions from 3 submitters: Uncertain significance (2). 1 of the submissions does not count toward it. Last evaluated 2026-01-21.

Conditions:
Prostate cancer, hereditary, 1 (HPC1). Identifiers: Orphanet 1331, MedGen C4722327, MONDO:0011098, OMIM 601518.
Hereditary cancer-predisposing syndrome. Also called: Neoplastic Syndromes, Hereditary; Tumor predisposition; Hereditary neoplastic syndrome; Hereditary Cancer Syndrome. Identifiers: Orphanet 140162, MedGen C0027672, MeSH D009386, MONDO:0015356.

Submissions (3):

Labcorp Genetics (formerly Invitae), Labcorp
Classification: Uncertain significance. Last evaluated: 2026-01-21. Review status: criteria provided, single submitter. Criteria: Invitae Variant Classification Sherloc (09022015). Collection method: clinical testing. Allele origin: germline.
Comment: This sequence change replaces isoleucine, which is neutral and non-polar, with leucine, which is neutral and non-polar, at codon 262 of the HOXB13 protein (p.Ile262Leu). This variant is not present in population databases (gnomAD no frequency). This variant has not been reported in the literature in individuals affected with HOXB13-related conditions. ClinVar contains an entry for this variant (Variation ID: 691240). Invitae Evidence Modeling of protein sequence and biophysical properties (such as structural, functional, and spatial information, amino acid conservation, physicochemical variation, residue mobility, and thermodynamic stability) indicates that this missense variant is expected to disrupt HOXB13 protein function with a positive predictive value of 80%. In summary, the available evidence is currently insufficient to determine the role of this variant in disease. Therefore, it has been classified as a Variant of Uncertain Significance.

Ambry Genetics
Classification: Uncertain significance for Hereditary cancer-predisposing syndrome. Last evaluated: 2024-08-12. Review status: criteria provided, single submitter. Criteria: Ambry Variant Classification Scheme 2023. Collection method: clinical testing. Allele origin: germline.
Comment: The p.I262L variant (also known as c.784A>C), located in coding exon 2 of the HOXB13 gene, results from an A to C substitution at nucleotide position 784. The isoleucine at codon 262 is replaced by leucine, an amino acid with highly similar properties. This amino acid position is conserved. In addition, this alteration is predicted to be deleterious by in silico analysis. Based on the available evidence, the clinical significance of this variant remains unclear.

Laboratory of Virology, Microbiology,  Quality and Medical Biotechnologies, Faculty of Sciences and Techniques - Mohammedia, Hassan II University of Casablanca
Classification: Uncertain significance for Prostate cancer, hereditary, 1. Review status: no assertion criteria provided. Collection method: clinical testing. Allele origin: somatic. Affected: yes. Not counted in ClinVar's aggregate classification.

NM_006361.6(HOXB13):c.784A>C (p.Ile262Leu)

Gene: HOXB13 (homeobox B13; minus strand). Cytogenetic location: 17q21.32.
Variant type: single nucleotide variant.
Coding change: c.784A>C on transcript NM_006361.6 (MANE Select); coding-DNA position 784, A replaced by C.
Protein change: p.Ile262Leu; replaces isoleucine 262 with leucine.
Molecular consequence: missense variant.
Genome position (GRCh38, 1-based): chr17:48,726,861, T>G on the plus strand (A>C on the coding strand, the complement: HOXB13 is on the minus strand). VCF-style: chr17-48726861-T-G. GRCh37 (hg19) VCF-style: chr17-46804223-T-G.
Other names: short protein forms I262L.
Identifiers: ClinVar variation 691240 (VCV000691240.4), dbSNP rs1207429780, ClinGen allele CA400105771.